The following is an entry in ClinVar:

ClinVar aggregate classification (germline): Uncertain significance (1 of 4 stars; one submission).

Conditions:
Hereditary cancer-predisposing syndrome. Also called: Neoplastic Syndromes, Hereditary; Tumor predisposition; Hereditary neoplastic syndrome; Hereditary Cancer Syndrome. Identifiers: Orphanet 140162, MedGen C0027672, MeSH D009386, MONDO:0015356.

Submission:

Ambry Genetics
Classification: Uncertain significance for Hereditary cancer-predisposing syndrome. Last evaluated: 2024-03-02. Review status: criteria provided, single submitter. Criteria: Ambry Variant Classification Scheme 2023. Collection method: clinical testing. Allele origin: germline.
Comment: The p.E19D variant (also known as c.57G>T), located in coding exon 2 of the PALB2 gene, results from a G to T substitution at nucleotide position 57. The glutamic acid at codon 19 is replaced by aspartic acid, an amino acid with highly similar properties. This amino acid position is conserved. In addition, this alteration is predicted to be tolerated by in silico analysis. Based on the available evidence, the clinical significance of this alteration remains unclear.

NM_024675.4(PALB2):c.57G>T (p.Glu19Asp)

Gene: PALB2 (partner and localizer of BRCA2; minus strand). Cytogenetic location: 16p12.2.
Variant type: single nucleotide variant.
Coding change: c.57G>T on transcript NM_024675.4 (MANE Select); coding-DNA position 57, G replaced by T.
Protein change: p.Glu19Asp; replaces glutamic acid 19 with aspartic acid.
Molecular consequence: missense variant. On other transcripts: 5 prime UTR variant (8), intron variant (4).
Genome position (GRCh38, 1-based): chr16:23,638,121, C>A on the plus strand (G>T on the coding strand, the complement: PALB2 is on the minus strand). VCF-style: chr16-23638121-C-A. GRCh37 (hg19) VCF-style: chr16-23649442-C-A.
Other names: c.57G>T, p.Glu19Asp (NM_001407297.1, NM_001407298.1, NM_001407299.1 and 3 more transcripts); c.-829G>T (NM_001407304.1, NM_001407305.1, NM_001407306.1 and 5 more transcripts); c.48+2989G>T (NM_001407314.1); c.-105+2989G>T (NM_001407313.1, NM_001407312.1); c.49-169G>T (NM_001407296.1); short protein forms E19D.
Identifiers: ClinVar variation 3228040 (VCV003228040.1), dbSNP rs1967112979, ClinGen allele CA395139950.